The following is an entry in ClinVar:

ClinVar aggregate classification (germline): Conflicting classifications of pathogenicity. Review status: criteria provided, conflicting classifications (1 of 4 stars). 3 submissions from 3 submitters: Uncertain significance (1); Likely benign (1). 1 of the submissions does not count toward it. Last evaluated 2025-12-28.

Conditions:
SLC10A2-related disorder. Also called: SLC10A2-related condition.

Allele frequency attached by ClinVar (database versions not stated): ExAC 0.00007; gnomAD 0.00007 and 0.00009; ESP Exome Variant Server 0.00008; gnomAD exomes 0.00008; TOPMed 0.00009.
gnomAD v4.1: 163 of 1,613,906 alleles (0.01%); highest among the groups gnomAD compares: Admixed American, 0.033%; no homozygotes.

Submissions (3):

Labcorp Genetics (formerly Invitae), Labcorp
Classification: Likely benign. Last evaluated: 2025-12-28. Review status: criteria provided, single submitter. Criteria: Invitae Variant Classification Sherloc (09022015). Collection method: clinical testing. Allele origin: germline.

Eurofins Ntd Llc (ga)
Classification: Uncertain significance. Last evaluated: 2017-11-01. Review status: criteria provided, single submitter. Criteria: EGL Classification Definitions 2015. Collection method: clinical testing. Allele origin: germline. Observed: 1 variant allele, 1 heterozygote.

PreventionGenetics, part of Exact Sciences
Classification: Likely benign for SLC10A2-related condition. Last evaluated: 2021-07-23. Review status: no assertion criteria provided. Collection method: clinical testing. Allele origin: germline. Not counted in ClinVar's aggregate classification.
Comment: This variant is classified as likely benign based on ACMG/AMP sequence variant interpretation guidelines (Richards et al. 2015 PMID: 25741868, with internal and published modifications).

NM_000452.3(SLC10A2):c.363C>T (p.Gly121=)

Gene: SLC10A2 (solute carrier family 10 member 2; minus strand). Cytogenetic location: 13q33.1.
Variant type: single nucleotide variant.
Coding change: c.363C>T on transcript NM_000452.3 (MANE Select); coding-DNA position 363, C replaced by T.
Protein change: p.Gly121=; no amino-acid change (glycine 121 retained).
Molecular consequence: synonymous variant.
Genome position (GRCh38, 1-based): chr13:103,065,887, G>A on the plus strand (C>T on the coding strand, the complement: SLC10A2 is on the minus strand). VCF-style: chr13-103065887-G-A. GRCh37 (hg19) VCF-style: chr13-103718237-G-A.
Other names: c.363C>T (NM_000452.2).
Identifiers: ClinVar variation 594768 (VCV000594768.11), dbSNP rs143992162, ClinGen allele CA7042267.